The following is an entry in ClinVar:

NM_001273.5(CHD4):c.536A>G (p.Lys179Arg)

Gene: CHD4 (chromodomain helicase DNA binding protein 4; minus strand). Cytogenetic location: 12p13.31.
Variant type: single nucleotide variant.
Coding change: c.536A>G on transcript NM_001273.5 (MANE Select); coding-DNA position 536, A replaced by G.
Protein change: p.Lys179Arg; replaces lysine 179 with arginine.
Molecular consequence: missense variant.
Genome position (GRCh38, 1-based): chr12:6,601,669, T>C on the plus strand (A>G on the coding strand, the complement: CHD4 is on the minus strand). VCF-style: chr12-6601669-T-C. GRCh37 (hg19) VCF-style: chr12-6710835-T-C.
Other names: c.515A>G, p.Lys172Arg (NM_001297553.2); c.536A>G, p.Lys179Arg (NM_001363606.2); short protein forms K172R, K179R.
Identifiers: ClinVar variation 4071874 (VCV004071874.2).

ClinVar aggregate classification (germline): Uncertain significance (1 of 4 stars; one submission).

Submission:

GeneDx
Classification: Uncertain significance. Last evaluated: 2025-08-19. Review status: criteria provided, single submitter. Criteria: GeneDx Variant Classification Process June 2021. Collection method: clinical testing. Allele origin: germline.
Comment: Not observed at significant frequency in large population cohorts (gnomAD); In silico analysis supports that this missense variant has a deleterious effect on protein structure/function; Has not been previously published as pathogenic or benign to our knowledge